The following is an entry in ClinVar:

NM_006922.4(SCN3A):c.5047G>T (p.Glu1683Ter)

Gene: SCN3A (sodium voltage-gated channel alpha subunit 3; minus strand). Cytogenetic location: 2q24.3.
Variant type: single nucleotide variant.
Coding change: c.5047G>T on transcript NM_006922.4 (MANE Select); coding-DNA position 5047, G replaced by T.
Protein change: p.Glu1683Ter; replaces glutamic acid 1683 with a stop codon.
Molecular consequence: nonsense.
Genome position (GRCh38, 1-based): chr2:165,091,106, C>A on the plus strand (G>T on the coding strand, the complement: SCN3A is on the minus strand). VCF-style: chr2-165091106-C-A. GRCh37 (hg19) VCF-style: chr2-165947616-C-A.
Other names: c.4900G>T, p.Glu1634Ter (NM_001081676.2, NM_001081677.2); short protein forms E1634*, E1683*.
Identifiers: ClinVar variation 1878573 (VCV001878573.1), dbSNP rs1553517366, ClinGen allele CA349017495.

ClinVar aggregate classification (germline): Uncertain significance (1 of 4 stars; one submission).

Conditions:
Epilepsy, familial focal, with variable foci 4 (FFEVF4). Identifiers: MedGen C4693694, MONDO:0054776, OMIM 617935.

Submission:

Neuberg Centre For Genomic Medicine, NCGM
Classification: Uncertain significance for Epilepsy, familial focal, with variable foci 4. Review status: criteria provided, single submitter. Criteria: ACMG Guidelines, 2015. Collection method: clinical testing. Allele origin: germline. Affected: yes.
Comment: The stop gained p.E1683* in SCN3A (NM_006922.4) has not been reported previously as a pathogenic variant nor as a benign variant, to our knowledge. The p.E1683* variant is novel (not in any individuals) in gnomAD Exomes and is novel (not in any individuals) in 1000 Genomes. The nucleotide change in SCN3A is predicted as conserved by GERP++ and PhyloP across 100 vertebrates. Since this variant is present in the last exon therefore it is classified as Variant of Uncertain Significance (VUS). Functional studies will be required to prove protein truncation and loss of function. For these reasons, this variant has been classified as Variant of Uncertain Significance (VUS).